The following is an entry in ClinVar:

ClinVar aggregate classification (germline): Uncertain significance. Review status: criteria provided, multiple submitters, no conflicts (2 of 4 stars). 2 submissions from 2 submitters: Uncertain significance (2). Last evaluated 2025-02-22.

Conditions:
Cardiovascular phenotype. Identifiers: MedGen CN230736.
Hypertrophic cardiomyopathy. Also called: HYPERTROPHIC MYOCARDIOPATHY. Identifiers: Orphanet 217569, MedGen C0007194, MeSH D002312, MONDO:0005045, HP:0001639.

Allele frequency attached by ClinVar (database versions not stated): gnomAD exomes below 0.00001.
gnomAD v4.1: 3 of 1,613,982 alleles (0.00019%); highest among the groups gnomAD compares: Admixed American, 0.005%; no homozygotes.

Submissions (2):

Ambry Genetics
Classification: Uncertain significance for Cardiovascular phenotype. Last evaluated: 2025-02-22. Review status: criteria provided, single submitter. Criteria: Ambry Variant Classification Scheme 2023. Collection method: clinical testing. Allele origin: germline.
Comment: The p.R183S variant (also known as c.549G>C), located in coding exon 4 of the MYOZ2 gene, results from a G to C substitution at nucleotide position 549. The arginine at codon 183 is replaced by serine, an amino acid with dissimilar properties. This amino acid position is conserved. In addition, the in silico prediction for this alteration is inconclusive. Based on the available evidence, the clinical significance of this variant remains unclear.

Labcorp Genetics (formerly Invitae), Labcorp
Classification: Uncertain significance for Hypertrophic cardiomyopathy. Last evaluated: 2024-02-05. Review status: criteria provided, single submitter. Criteria: Invitae Variant Classification Sherloc (09022015). Collection method: clinical testing. Allele origin: germline.
Comment: This sequence change replaces arginine, which is basic and polar, with serine, which is neutral and polar, at codon 183 of the MYOZ2 protein (p.Arg183Ser). This variant is present in population databases (no rsID available, gnomAD 0.006%). This variant has not been reported in the literature in individuals affected with MYOZ2-related conditions. Advanced modeling of protein sequence and biophysical properties (such as structural, functional, and spatial information, amino acid conservation, physicochemical variation, residue mobility, and thermodynamic stability) has been performed at Invitae for this missense variant, however the output from this modeling did not meet the statistical confidence thresholds required to predict the impact of this variant on MYOZ2 protein function. In summary, the available evidence is currently insufficient to determine the role of this variant in disease. Therefore, it has been classified as a Variant of Uncertain Significance.

NM_016599.5(MYOZ2):c.549G>C (p.Arg183Ser)

Gene: MYOZ2 (myozenin 2; plus strand). Cytogenetic location: 4q26.
Variant type: single nucleotide variant.
Coding change: c.549G>C on transcript NM_016599.5 (MANE Select); coding-DNA position 549, G replaced by C.
Protein change: p.Arg183Ser; replaces arginine 183 with serine.
Molecular consequence: missense variant.
Genome position (GRCh38, 1-based): chr4:119,164,383, G>C. VCF-style: chr4-119164383-G-C. GRCh37 (hg19) VCF-style: chr4-120085538-G-C.
Other names: short protein forms R183S.
Identifiers: ClinVar variation 2752035 (VCV002752035.4), dbSNP rs1420374400, ClinGen allele CA358204447.
Genomic context (GRCh38, chr4:119,164,383, plus strand): 5'-AGAGGCTTTATATCCTAAACTTTTCAAGCCTGAAGGAAAGGCAGAACTGCCTGATTACAG[G>C]AGCTTTAACAGGTAATTCAATGGTCCTGGGTGACACTGTTGGCATGCAATACCAAAATTT-3'
Protein context (NP_057683.1, residues 173-193): PEGKAELPDY[Arg183Ser]SFNRVATPFG